The following is an entry in ClinVar:

NM_000255.4(MMUT):c.1148dup (p.Ser384fs)

Gene: MMUT (methylmalonyl-CoA mutase; minus strand). Cytogenetic location: 6p12.3.
Variant type: Duplication.
Coding change: c.1148dup on transcript NM_000255.4 (MANE Select); coding-DNA position 1148, one base duplicated (A; older notation c.1148dupA).
Protein change: p.Ser384fs; shifts the reading frame from serine 384.
Molecular consequence: frameshift variant.
Genome position (GRCh38, 1-based): chr6:49,451,650, T duplicated on the plus strand (A on the coding strand, the reverse complement: MMUT is on the minus strand). VCF-style (leftmost placement, unchanged base first): chr6-49451649-C-CT. GRCh37 (hg19) VCF-style: chr6-49419362-C-CT.
Other names: c.1148dupA (NM_000255.3); c.1148dup (NM_000255.3); short protein forms S384fs.
Identifiers: ClinVar variation 590817 (VCV000590817.12), dbSNP rs771021560, ClinGen allele CA3846949.
Genomic context (GRCh38, chr6:49,451,649, plus strand): 5'-TCGAGCACTTTTCACAGTTGGCAAACCCAAAGCTTCATCAAAAGAATTTGTGTGCAAAGA[C>CT]TGAGTCCCTCCAAATACTGCTGCCATTGCTTCTATTGCAGTACGGACAATATTATTGTAG-3'

ClinVar aggregate classification (germline): Pathogenic/Likely pathogenic. Review status: criteria provided, multiple submitters, no conflicts (2 of 4 stars). 3 submissions from 3 submitters: Pathogenic (1); Likely pathogenic (1). 1 of the submissions does not count toward it. Last evaluated 2025-01-25.

Conditions:
Methylmalonic aciduria due to methylmalonyl-CoA mutase deficiency (MAMM). Also called: Methylmalonic aciduria, mut type. Identifiers: Orphanet 27, MedGen C1855114, MONDO:0009612, OMIM 251000.
Methylmalonic aciduria due to complete methylmalonyl-CoA mutase deficiency.

Allele frequency attached by ClinVar (database versions not stated): gnomAD exomes below 0.00001; TOPMed below 0.00001; ExAC 0.00001.

Submissions (3):

Natera, Inc.
Classification: Likely pathogenic for Methylmalonic aciduria due to complete methylmalonyl-CoA mutase deficiency. Last evaluated: 2025-01-25. Review status: criteria provided, single submitter. Criteria: Natera Variant Classification Schema (03/2026). Collection method: clinical testing. Allele origin: germline.
Comment: The c.1148dup variant in MMUT is a frameshift variant predicted to shift the reading frame beginning at codon 384 and leads to a stop codon 8 codons downstream. This variant is expected to result in nonsense mediated decay, truncation, or a dysfunctional protein product. This variant is rare in the general population with a frequency below the threshold expected for the associated phenotype(s). Given the available evidence, this variant is classified as Likely Pathogenic.

Labcorp Genetics (formerly Invitae), Labcorp
Classification: Pathogenic. Last evaluated: 2023-10-17. Review status: criteria provided, single submitter. Criteria: Invitae Variant Classification Sherloc (09022015). Collection method: clinical testing. Allele origin: germline.
Comment: This sequence change creates a premature translational stop signal (p.Ser384Valfs*8) in the MUT gene. It is expected to result in an absent or disrupted protein product. Loss-of-function variants in MUT are known to be pathogenic (PMID: 15781192). This variant is present in population databases (rs771021560, gnomAD 0.003%). This variant has not been reported in the literature in individuals affected with MUT-related conditions. ClinVar contains an entry for this variant (Variation ID: 590817). For these reasons, this variant has been classified as Pathogenic.

SingHealth Duke-NUS Institute of Precision Medicine
Classification: Likely pathogenic for Methylmalonic aciduria due to methylmalonyl-CoA mutase deficiency. Last evaluated: 2017-06-07. Review status: no assertion criteria provided. Collection method: curation. Allele origin: germline. Affected: no. Not counted in ClinVar's aggregate classification.

Literature cited by the submitters: PubMed 15781192 (cited by Labcorp Genetics (formerly Invitae), Labcorp).